The following is an entry in ClinVar:

ClinVar aggregate classification (germline): Pathogenic (1 of 4 stars; one submission).

Conditions:
Familial cancer of breast. Also called: hereditary breast carcinoma; BREAST CANCER, FAMILIAL; Hereditary breast cancer. Identifiers: Orphanet 227535, MedGen C0346153, MONDO:0016419, OMIM 114480. Disease mechanism: loss of function.

Submission:

Labcorp Genetics (formerly Invitae), Labcorp
Classification: Pathogenic for Familial cancer of breast. Last evaluated: 2025-06-15. Review status: criteria provided, single submitter. Criteria: Invitae Variant Classification Sherloc (09022015). Collection method: clinical testing. Allele origin: germline.
Comment: This sequence change creates a premature translational stop signal (p.Asn826Profs*5) in the PALB2 gene. It is expected to result in an absent or disrupted protein product. Loss-of-function variants in PALB2 are known to be pathogenic (PMID: 17200668, 17200671, 17200672, 24136930, 25099575). This variant is not present in population databases (gnomAD no frequency). This variant has not been reported in the literature in individuals affected with PALB2-related conditions. For these reasons, this variant has been classified as Pathogenic.

Literature cited by the submitters: PubMed 17200668; PubMed 17200671; PubMed 17200672; PubMed 24136930; PubMed 25099575.

NM_024675.4(PALB2):c.2475_2482del (p.Asn826fs)

Gene: PALB2 (partner and localizer of BRCA2; minus strand). Cytogenetic location: 16p12.2.
Variant type: Deletion.
Coding change: c.2475_2482del on transcript NM_024675.4 (MANE Select); coding-DNA positions 2475 to 2482, 8 bases deleted (AAACACAT; older notation c.2475_2482delAAACACAT).
Protein change: p.Asn826fs; shifts the reading frame from asparagine 826.
Molecular consequence: frameshift variant. On other transcripts: intron variant (1).
Genome position (GRCh38, 1-based): chr16:23,629,672-23,629,679, ATGTGTTT deleted on the plus strand (AAACACAT on the coding strand, the reverse complement: PALB2 is on the minus strand). VCF-style (leftmost placement, unchanged base first): chr16-23629671-CATGTGTTT-C. GRCh37 (hg19) VCF-style: chr16-23640992-CATGTGTTT-C.
Other names: c.2415_2422del, p.Asn806fs (NM_001407296.1); c.2475_2482del, p.Asn826fs (NM_001407297.1, NM_001407298.1, NM_001407299.1 and 3 more transcripts); c.1590_1597del, p.Asn531fs (NM_001407304.1, NM_001407305.1, NM_001407306.1 and 5 more transcripts); c.687_694del, p.Asn230fs (NM_001407312.1, NM_001407313.1); c.49-404_49-397del (NM_001407314.1); short protein forms N230fs, N806fs, N826fs, N531fs.
Identifiers: ClinVar variation 4721109 (VCV004721109.1).